The following is an entry in ClinVar:

ClinVar aggregate classification (germline): Uncertain significance (1 of 4 stars; one submission).

Conditions:
Atypical hemolytic-uremic syndrome. Identifiers: Orphanet 2134, MedGen C2931788, MONDO:0016244.

Submission:

Genomenon, Inc
Classification: Uncertain significance for Atypical hemolytic-uremic syndrome. Last evaluated: 2025-10-02. Review status: criteria provided, single submitter. Criteria: Genomenon Sequence Variant Interpretation Standards. Collection method: curation. Allele origin: germline. Affected: no.
Comment: CD46 p.Pro155Ala (c.463C>G) is a missense variant that changes the amino acid at residue 155 from Proline to Alanine. This variant has been reported in the published literature (PMID:10960475). It is absent or not present at a significant frequency in gnomAD. In conclusion, we classify CD46 p.Pro155Ala (c.463C>G) as a variant of uncertain significance.

Literature cited by the submitters: PubMed 10960475.

NM_172351.3(CD46):c.463C>G (p.Pro155Ala)

Gene: CD46 (CD46 molecule; plus strand). Cytogenetic location: 1q32.2.
Variant type: single nucleotide variant.
Coding change: c.463C>G on transcript NM_172351.3 (MANE Select); coding-DNA position 463, C replaced by G.
Protein change: p.Pro155Ala; replaces proline 155 with alanine.
Molecular consequence: missense variant.
Genome position (GRCh38, 1-based): chr1:207,759,712, C>G. VCF-style: chr1-207759712-C-G. GRCh37 (hg19) VCF-style: chr1-207933057-C-G.
Other names: c.463C>G, p.Pro155Ala (NM_002389.4, NM_153826.4, NM_172350.3 and 8 more transcripts); short protein forms P155A.
Identifiers: ClinVar variation 4291275 (VCV004291275.1).